The following is an entry in ClinVar:

NM_014915.3(ANKRD26):c.496C>G (p.Leu166Val)

Gene: ANKRD26 (ankyrin repeat domain 26; minus strand). Cytogenetic location: 10p12.1.
Variant type: single nucleotide variant.
Coding change: c.496C>G on transcript NM_014915.3 (MANE Select); coding-DNA position 496, C replaced by G.
Protein change: p.Leu166Val; replaces leucine 166 with valine.
Molecular consequence: missense variant.
Genome position (GRCh38, 1-based): chr10:27,093,384, G>C on the plus strand (C>G on the coding strand, the complement: ANKRD26 is on the minus strand). VCF-style: chr10-27093384-G-C. GRCh37 (hg19) VCF-style: chr10-27382313-G-C.
Other names: c.496C>G, p.Leu166Val (NM_001256053.2); short protein forms L166V.
Identifiers: ClinVar variation 2763467 (VCV002763467.3), dbSNP rs2539285643, ClinGen allele CA376367754.

ClinVar aggregate classification (germline): Uncertain significance (1 of 4 stars; one submission).

Submission:

Labcorp Genetics (formerly Invitae), Labcorp
Classification: Uncertain significance. Last evaluated: 2023-09-27. Review status: criteria provided, single submitter. Criteria: Invitae Variant Classification Sherloc (09022015). Collection method: clinical testing. Allele origin: germline.
Comment: In summary, the available evidence is currently insufficient to determine the role of this variant in disease. Therefore, it has been classified as a Variant of Uncertain Significance. An algorithm developed to predict the effect of missense changes on protein structure and function (PolyPhen-2) suggests that this variant is likely to be disruptive. This variant has not been reported in the literature in individuals affected with ANKRD26-related conditions. This variant is not present in population databases (gnomAD no frequency). This sequence change replaces leucine, which is neutral and non-polar, with valine, which is neutral and non-polar, at codon 166 of the ANKRD26 protein (p.Leu166Val).